The following is an entry in ClinVar:

NM_024422.6(DSC2):c.1907C>G (p.Ser636Cys)

Gene: DSC2 (desmocollin 2; minus strand). Cytogenetic location: 18q12.1.
Variant type: single nucleotide variant.
Coding change: c.1907C>G on transcript NM_024422.6 (MANE Select); coding-DNA position 1907, C replaced by G.
Protein change: p.Ser636Cys; replaces serine 636 with cysteine.
Molecular consequence: missense variant.
Genome position (GRCh38, 1-based): chr18:31,071,823, G>C on the plus strand (C>G on the coding strand, the complement: DSC2 is on the minus strand). VCF-style: chr18-31071823-G-C. GRCh37 (hg19) VCF-style: chr18-28651789-G-C.
Other names: c.1907C>G, p.Ser636Cys (NM_004949.5); short protein forms S636C.
Identifiers: ClinVar variation 630583 (VCV000630583.11), dbSNP rs764355417, ClinGen allele CA033837.

ClinVar aggregate classification (germline): Uncertain significance. Review status: criteria provided, multiple submitters, no conflicts (2 of 4 stars). 4 submissions from 4 submitters: Uncertain significance (4). Last evaluated 2025-03-12.

Conditions:
Cardiomyopathy (CMYO). Also called: Cardiomyopathies. Identifiers: Orphanet 167848, MedGen C0878544, MONDO:0004994, HP:0001638. Inheritance: Various modes of inheritance.
Arrhythmogenic right ventricular dysplasia 11. Also called: Arrhythmogenic right ventricular dysplasia 11 with mild palmoplantar keratoderma and woolly hair; Arrhythmogenic Right Ventricular Dysplasia/Cardiomyopathy11; ARRHYTHMOGENIC RIGHT VENTRICULAR DYSPLASIA, FAMILIAL, 11. Identifiers: MedGen C1864850, MONDO:0012506, OMIM 610476.
Cardiovascular phenotype. Identifiers: MedGen CN230736.

Allele frequency attached by ClinVar (database versions not stated): ExAC 0.00001.
gnomAD v4.1: 7 of 1,613,492 alleles (0.00043%); highest among the groups gnomAD compares: Middle Eastern, 0.016%; no homozygotes.

Submissions (4):

GeneDx
Classification: Uncertain significance. Last evaluated: 2025-03-12. Review status: criteria provided, single submitter. Criteria: GeneDx Variant Classification Process June 2021. Collection method: clinical testing. Allele origin: germline. Affected: yes.
Comment: Not observed at significant frequency in large population cohorts (gnomAD); In silico analysis supports that this missense variant has a deleterious effect on protein structure/function; Has not been previously published as pathogenic or benign to our knowledge

Ambry Genetics
Classification: Uncertain significance for Cardiovascular phenotype. Last evaluated: 2025-02-07. Review status: criteria provided, single submitter. Criteria: Ambry Variant Classification Scheme 2023. Collection method: clinical testing. Allele origin: germline.

Labcorp Genetics (formerly Invitae), Labcorp
Classification: Uncertain significance for Arrhythmogenic right ventricular dysplasia 11. Last evaluated: 2023-05-08. Review status: criteria provided, single submitter. Criteria: Invitae Variant Classification Sherloc (09022015). Collection method: clinical testing. Allele origin: germline.
Comment: In summary, the available evidence is currently insufficient to determine the role of this variant in disease. Therefore, it has been classified as a Variant of Uncertain Significance. Advanced modeling of protein sequence and biophysical properties (such as structural, functional, and spatial information, amino acid conservation, physicochemical variation, residue mobility, and thermodynamic stability) performed at Invitae indicates that this missense variant is not expected to disrupt DSC2 protein function. ClinVar contains an entry for this variant (Variation ID: 630583). This variant has not been reported in the literature in individuals affected with DSC2-related conditions. This variant is present in population databases (rs764355417, gnomAD 0.006%). This sequence change replaces serine, which is neutral and polar, with cysteine, which is neutral and slightly polar, at codon 636 of the DSC2 protein (p.Ser636Cys).

Color Diagnostics, LLC DBA Color Health
Classification: Uncertain significance for Cardiomyopathy. Last evaluated: 2021-01-20. Review status: criteria provided, single submitter. Criteria: ACMG Guidelines, 2015. Collection method: clinical testing. Allele origin: germline.
Comment: This missense variant replaces serine with cysteine at codon 636 of the DSC2 protein. Computational prediction is inconclusive regarding the impact of this variant on protein structure and function (internally defined REVEL score threshold 0.5 < inconclusive < 0.7, PMID: 27666373). To our knowledge, functional studies have not been reported for this variant. This variant has not been reported in individuals affected with cardiovascular disorders in the literature. This variant has been identified in 3/250424 chromosomes in the general population by the Genome Aggregation Database (gnomAD). The available evidence is insufficient to determine the role of this variant in disease conclusively. Therefore, this variant is classified as a Variant of Uncertain Significance.